The following is an entry in ClinVar:

NM_001370.2(DNAH6):c.4245C>T (p.Tyr1415=)

Gene: DNAH6 (dynein axonemal heavy chain 6; plus strand). Cytogenetic location: 2p11.2.
Variant type: single nucleotide variant.
Coding change: c.4245C>T on transcript NM_001370.2 (MANE Select); coding-DNA position 4245, C replaced by T.
Protein change: p.Tyr1415=; no amino-acid change (tyrosine 1415 retained).
Molecular consequence: synonymous variant.
Genome position (GRCh38, 1-based): chr2:84,624,512, C>T. VCF-style: chr2-84624512-C-T. GRCh37 (hg19) VCF-style: chr2-84851636-C-T.
Identifiers: ClinVar variation 3051033 (VCV003051033.2), dbSNP rs199886756, ClinGen allele CA1737129.

ClinVar aggregate classification (germline): Likely benign (0 of 4 stars; one submission).

Conditions:
DNAH6-related disorder. Also called: DNAH6-related condition.

Allele frequency attached by ClinVar (database versions not stated): gnomAD 0.00036; ExAC 0.00045; TOPMed 0.00051; ESP Exome Variant Server 0.00066; gnomAD exomes 0.00081.
gnomAD v4.1: 1,191 of 1,551,762 alleles (0.077%); highest among the groups gnomAD compares: Non-Finnish European, 0.097%; 1 homozygote.

Submission:

PreventionGenetics, part of Exact Sciences
Classification: Likely benign for DNAH6-related condition. Last evaluated: 2020-06-24. Review status: no assertion criteria provided. Collection method: clinical testing. Allele origin: germline.
Comment: This variant is classified as likely benign based on ACMG/AMP sequence variant interpretation guidelines (Richards et al. 2015 PMID: 25741868, with internal and published modifications).